The following is an entry in ClinVar:

NM_133433.4(NIPBL):c.6359T>G (p.Leu2120Ter)

Gene: NIPBL (NIPBL cohesin loading factor; plus strand). Cytogenetic location: 5p13.2.
Variant type: single nucleotide variant.
Coding change: c.6359T>G on transcript NM_133433.4 (MANE Select); coding-DNA position 6359, T replaced by G.
Protein change: p.Leu2120Ter; replaces leucine 2120 with a stop codon.
Molecular consequence: nonsense.
Genome position (GRCh38, 1-based): chr5:37,045,458, T>G. VCF-style: chr5-37045458-T-G. GRCh37 (hg19) VCF-style: chr5-37045560-T-G.
Other names: c.6359T>G, p.Leu2120Ter (NM_015384.5); short protein forms L2120*.
Identifiers: ClinVar variation 1359106 (VCV001359106.8), dbSNP rs2149732594, ClinGen allele CA359504041.

ClinVar aggregate classification (germline): Pathogenic (1 of 4 stars; one submission).

Conditions:
Cornelia de Lange syndrome 1 (CDLS1). Also called: NIPBL-Related Cornelia de Lange Syndrome; TYPUS DEGENERATIVUS AMSTELODAMENSIS; Brachmann de Lange syndrome. Identifiers: Orphanet 199, MedGen C4551851, MONDO:0007387, OMIM 122470.

Submission:

Labcorp Genetics (formerly Invitae), Labcorp
Classification: Pathogenic for Cornelia de Lange syndrome 1. Last evaluated: 2021-03-25. Review status: criteria provided, single submitter. Criteria: Invitae Variant Classification Sherloc (09022015). Collection method: clinical testing. Allele origin: germline.
Comment: For these reasons, this variant has been classified as Pathogenic. This variant has been observed in individual(s) with clinical features of Cornelia de Lange syndrome (Invitae). This variant is not present in population databases (ExAC no frequency). This sequence change creates a premature translational stop signal (p.Leu2120*) in the NIPBL gene. It is expected to result in an absent or disrupted protein product. Loss-of-function variants in NIPBL are known to be pathogenic (PMID: 15318302, 19763162, 23505322, 29995837).

Literature cited by the submitters: PubMed 15318302; PubMed 19763162; PubMed 23505322; PubMed 29995837.